The following is an entry in ClinVar:

ClinVar aggregate classification (germline): Uncertain significance (1 of 4 stars; one submission).

Conditions:
Hereditary cancer-predisposing syndrome. Also called: Tumor predisposition; Neoplastic Syndromes, Hereditary; Hereditary Cancer Syndrome; Hereditary neoplastic syndrome. Identifiers: Orphanet 140162, MedGen C0027672, MeSH D009386, MONDO:0015356.

Submission:

Ambry Genetics
Classification: Uncertain significance for Hereditary cancer-predisposing syndrome. Last evaluated: 2024-09-08. Review status: criteria provided, single submitter. Criteria: Ambry Variant Classification Scheme 2023. Collection method: clinical testing. Allele origin: germline.
Comment: The p.V1168I variant (also known as c.3502G>A), located in coding exon 20 of the DICER1 gene, results from a G to A substitution at nucleotide position 3502. The valine at codon 1168 is replaced by isoleucine, an amino acid with highly similar properties. This amino acid position is conserved. In addition, this alteration is predicted to be tolerated by in silico analysis. Based on the available evidence, the clinical significance of this variant remains unclear.

NM_177438.3(DICER1):c.3502G>A (p.Val1168Ile)

Gene: DICER1 (dicer 1, ribonuclease III; minus strand). Cytogenetic location: 14q32.13.
Variant type: single nucleotide variant.
Coding change: c.3502G>A on transcript NM_177438.3 (MANE Select); coding-DNA position 3502, G replaced by A.
Protein change: p.Val1168Ile; replaces valine 1168 with isoleucine.
Molecular consequence: missense variant. On other transcripts: non-coding transcript variant (6).
Genome position (GRCh38, 1-based): chr14:95,103,894, C>T on the plus strand (G>A on the coding strand, the complement: DICER1 is on the minus strand). VCF-style: chr14-95103894-C-T. GRCh37 (hg19) VCF-style: chr14-95570231-C-T.
Other names: c.3502G>A, p.Val1168Ile (NM_001195573.1, NM_001271282.3, NM_001291628.2 and 12 more transcripts); c.3220G>A, p.Val1074Ile (NM_001395686.1); c.3097G>A, p.Val1033Ile (NM_001395687.1, NM_001395688.1, NM_001395689.1 and 2 more transcripts); c.2935G>A, p.Val979Ile (NM_001395691.1); c.1819G>A, p.Val607Ile (NM_001395697.1); short protein forms V1074I, V979I, V607I, V1033I, V1168I.
Identifiers: ClinVar variation 3501901 (VCV003501901.1).